The following is an entry in ClinVar:

NM_022437.3(ABCG8):c.1348G>A (p.Ala450Thr)

Gene: ABCG8 (ATP binding cassette subfamily G member 8; plus strand). Cytogenetic location: 2p21.
Variant type: single nucleotide variant.
Coding change: c.1348G>A on transcript NM_022437.3 (MANE Select); coding-DNA position 1348, G replaced by A.
Protein change: p.Ala450Thr; replaces alanine 450 with threonine.
Molecular consequence: missense variant.
Genome position (GRCh38, 1-based): chr2:43,873,923, G>A. VCF-style: chr2-43873923-G-A. GRCh37 (hg19) VCF-style: chr2-44101062-G-A.
Other names: c.1345G>A, p.Ala449Thr (NM_001357321.2); short protein forms A449T, A450T.
Identifiers: ClinVar variation 3129897 (VCV003129897.3), dbSNP rs754133516, ClinGen allele CA1637410.

ClinVar aggregate classification (germline): Uncertain significance. Review status: criteria provided, multiple submitters, no conflicts (2 of 4 stars). 3 submissions from 3 submitters: Uncertain significance (2). 1 of the submissions does not count toward it. Last evaluated 2025-11-10.

Conditions:
ABCG8-related disorder. Also called: ABCG8-related condition.
Cardiovascular phenotype. Identifiers: MedGen CN230736.

Allele frequency attached by ClinVar (database versions not stated): ExAC 0.00002; gnomAD 0.00003.
gnomAD v4.1: 30 of 1,613,874 alleles (0.0019%); highest among the groups gnomAD compares: Admixed American, 0.0083%; no homozygotes.

Submissions (3):

Women's Health and Genetics/Laboratory Corporation of America, LabCorp
Classification: Uncertain significance. Last evaluated: 2025-11-10. Review status: criteria provided, single submitter. Criteria: LabCorp Variant Classification Summary - May 2015. Collection method: clinical testing. Allele origin: germline.
Comment: Variant summary: ABCG8 c.1348G>A (p.Ala450Thr) results in a non-conservative amino acid change in the encoded protein sequence. Algorithms developed to predict the effect of missense changes on protein structure and function all suggest that this variant is likely to be disruptive. The variant allele was found at a frequency of 4e-05 in 251436 control chromosomes. This frequency is not significantly higher than estimated for disease-causing variants in ABCG8, allowing no conclusion about variant significance. To our knowledge, no occurrence of c.1348G>A in individuals affected with ABCG8-related conditions and no experimental evidence demonstrating its impact on protein function have been reported. ClinVar contains an entry for this variant (Variation ID: 3129897). Based on the evidence outlined above, the variant was classified as uncertain significance.

Ambry Genetics
Classification: Uncertain significance for Cardiovascular phenotype. Last evaluated: 2023-10-30. Review status: criteria provided, single submitter. Criteria: Ambry Variant Classification Scheme 2023. Collection method: clinical testing. Allele origin: germline.
Comment: The c.1348G>A (p.A450T) alteration is located in coding exon 9 of the ABCG8 gene. This alteration results from a G to A substitution at nucleotide position 1348, causing the alanine (A) at amino acid position 450 to be replaced by a threonine (T). Based on data from gnomAD, the A allele has an overall frequency of 0.004% (12/282798) total alleles studied. The highest observed frequency was 0.014% (1/7222) of Other alleles. This amino acid position is well conserved in available vertebrate species. The in silico prediction for this alteration is inconclusive. Based on insufficient or conflicting evidence, the clinical significance of this alteration remains unclear.

PreventionGenetics, part of Exact Sciences
Classification: Uncertain significance for ABCG8-related condition. Last evaluated: 2024-08-07. Review status: no assertion criteria provided. Collection method: clinical testing. Allele origin: germline. Not counted in ClinVar's aggregate classification.
Comment: The ABCG8 c.1348G>A variant is predicted to result in the amino acid substitution p.Ala450Thr. To our knowledge, this variant has not been reported in the literature. This variant is reported in 0.011% of alleles in individuals of Latino descent in gnomAD. At this time, the clinical significance of this variant is uncertain due to the absence of conclusive functional and genetic evidence.